The following is an entry in ClinVar:

NM_000135.4(FANCA):c.2573G>C (p.Ser858Thr)

Gene: FANCA (FA complementation group A; minus strand). Cytogenetic location: 16q24.3.
Variant type: single nucleotide variant.
Coding change: c.2573G>C on transcript NM_000135.4 (MANE Select); coding-DNA position 2573, G replaced by C.
Protein change: p.Ser858Thr; replaces serine 858 with threonine.
Molecular consequence: missense variant.
Genome position (GRCh38, 1-based): chr16:89,767,169, C>G on the plus strand (G>C on the coding strand, the complement: FANCA is on the minus strand). VCF-style: chr16-89767169-C-G. GRCh37 (hg19) VCF-style: chr16-89833577-C-G.
Other names: c.2573G>C, p.Ser858Thr (NM_001286167.3); short protein forms S858T.
Identifiers: ClinVar variation 1488197 (VCV001488197.8), dbSNP rs1291169859, ClinGen allele CA397440470.
Genomic context (GRCh38, chr16:89,767,169, plus strand): 5'-AGAATGGAAAAATAGGAAAAGAGTGAACCTACCTTTTTAATAAGGCCTGGAGATAAGCAG[C>G]TGCACAAAGTATCTCGTGACTGGGAAGAAAACTTGCAGAGAGAGTAAGAAATTGCTGCTG-3'
Protein context (NP_000126.2, residues 848-868): FSSQSRDTLC[Ser858Thr]CLSPGLIKKF

ClinVar aggregate classification (germline): Uncertain significance (1 of 4 stars; one submission).

Conditions:
Fanconi anemia (FA). Also called: Fanconi's anemia. Identifiers: Orphanet 84, MedGen C0015625, MeSH D005199, MONDO:0019391.

Allele frequency attached by ClinVar (database versions not stated): gnomAD 0.00001.
gnomAD v4.1: 3 of 1,613,358 alleles (0.00019%); highest among the groups gnomAD compares: Non-Finnish European, 0.00025%; no homozygotes.

Submission:

Labcorp Genetics (formerly Invitae), Labcorp
Classification: Uncertain significance for Fanconi anemia. Last evaluated: 2021-04-16. Review status: criteria provided, single submitter. Criteria: Invitae Variant Classification Sherloc (09022015). Collection method: clinical testing. Allele origin: germline.
Comment: In summary, the available evidence is currently insufficient to determine the role of this variant in disease. Therefore, it has been classified as a Variant of Uncertain Significance. Advanced modeling of protein sequence and biophysical properties (such as structural, functional, and spatial information, amino acid conservation, physicochemical variation, residue mobility, and thermodynamic stability) performed at Invitae indicates that this missense variant is not expected to disrupt FANCA protein function. This variant has not been reported in the literature in individuals with FANCA-related conditions. This variant is not present in population databases (ExAC no frequency). This sequence change replaces serine with threonine at codon 858 of the FANCA protein (p.Ser858Thr). The serine residue is weakly conserved and there is a small physicochemical difference between serine and threonine.